The following is an entry in ClinVar:

ClinVar aggregate classification (germline): Likely benign (0 of 4 stars; one submission).

Conditions:
HMCN1-related disorder. Also called: HMCN1-related condition.

Allele frequency attached by ClinVar (database versions not stated): gnomAD 0.00001; gnomAD exomes 0.00001; TOPMed 0.00001.
gnomAD v4.1: 13 of 1,614,010 alleles (0.00081%); highest among the groups gnomAD compares: Non-Finnish European, 0.0011%; no homozygotes.

Submission:

PreventionGenetics, part of Exact Sciences
Classification: Likely benign for HMCN1-related condition. Last evaluated: 2020-04-15. Review status: no assertion criteria provided. Collection method: clinical testing. Allele origin: germline.
Comment: This variant is classified as likely benign based on ACMG/AMP sequence variant interpretation guidelines (Richards et al. 2015 PMID: 25741868, with internal and published modifications).

NM_031935.3(HMCN1):c.15574+9A>T

Gene: HMCN1 (hemicentin 1; plus strand). Cytogenetic location: 1q31.1.
Variant type: single nucleotide variant.
Coding change: c.15574+9A>T on transcript NM_031935.3 (MANE Select); 9 bases into the intron after coding-DNA position 15574, A replaced by T.
Molecular consequence: intron variant.
Genome position (GRCh38, 1-based): chr1:186,166,951, A>T. VCF-style: chr1-186166951-A-T. GRCh37 (hg19) VCF-style: chr1-186136083-A-T.
Identifiers: ClinVar variation 3054885 (VCV003054885.2), dbSNP rs1400979057, ClinGen allele CA527683358.